The following is an entry in ClinVar:

NM_006361.6(HOXB13):c.*8C>A

Gene: HOXB13 (homeobox B13; minus strand). Cytogenetic location: 17q21.32.
Variant type: single nucleotide variant.
Coding change: c.*8C>A on transcript NM_006361.6 (MANE Select); 8 bases downstream of the stop codon, C replaced by A.
Molecular consequence: 3 prime UTR variant.
Genome position (GRCh38, 1-based): chr17:48,726,782, G>T on the plus strand (C>A on the coding strand, the complement: HOXB13 is on the minus strand). VCF-style: chr17-48726782-G-T. GRCh37 (hg19) VCF-style: chr17-46804144-G-T.
Identifiers: ClinVar variation 3773156 (VCV003773156.1).

ClinVar aggregate classification (germline): Benign (1 of 4 stars; one submission).

Conditions:
Prostate cancer, hereditary, 9 (HPC9). Identifiers: Orphanet 1331, MedGen C1970250, MONDO:0012597, OMIM 610997.

Submission:

Myriad Genetics, Inc.
Classification: Benign for Prostate cancer, hereditary, 9. Last evaluated: 2024-10-31. Review status: criteria provided, single submitter. Criteria: Myriad Autosomal Dominant, Autosomal Recessive and X-Linked Classification Criteria (2023). Collection method: clinical testing. Allele origin: unknown.
Comment: This variant is considered benign. This variant occurs in the non-coding 3' untranslated region of the gene, and is not expected to impact protein function.